The following is an entry in ClinVar:

ClinVar aggregate classification (germline): Uncertain significance (1 of 4 stars; one submission).

Submission:

Women's Health and Genetics/Laboratory Corporation of America, LabCorp
Classification: Uncertain significance. Last evaluated: 2026-04-27. Review status: criteria provided, single submitter. Criteria: LabCorp Variant Classification Summary - May 2015. Collection method: clinical testing. Allele origin: germline.
Comment: Variant summary: GP1BA c.461C>A (p.Thr154Asn) results in a non-conservative amino acid change in the encoded protein sequence. Algorithms developed to predict the effect of missense changes on protein structure and function are either unavailable or do not agree on the potential impact of this missense change. The variant allele was found at a frequency of 1.2e-05 in 249090 control chromosomes. The available data on variant occurrences in the general population are insufficient to allow any conclusion about variant significance. To our knowledge, no occurrence of c.461C>A in individuals affected with GP1BA-related conditions and no experimental evidence demonstrating its impact on protein function have been reported. No submitters have cited clinical-significance assessments for this variant to ClinVar. Based on the evidence outlined above, the variant was classified as uncertain significance.

NM_000173.7(GP1BA):c.461C>A (p.Thr154Asn)

Gene: GP1BA (glycoprotein Ib platelet subunit alpha; plus strand). Cytogenetic location: 17p13.2.
Variant type: single nucleotide variant.
Coding change: c.461C>A on transcript NM_000173.7 (MANE Select); coding-DNA position 461, C replaced by A.
Protein change: p.Thr154Asn; replaces threonine 154 with asparagine.
Molecular consequence: missense variant.
Genome position (GRCh38, 1-based): chr17:4,933,065, C>A. VCF-style: chr17-4933065-C-A. GRCh37 (hg19) VCF-style: chr17-4836360-C-A.
Other names: short protein forms T154N.
Identifiers: ClinVar variation 4849065 (VCV004849065.1).
Genomic context (GRCh38, chr17:4,933,065, plus strand): 5'-GTGCCCTGCGTGGTCTTGGCGAACTCCAAGAGCTCTACCTGAAAGGCAATGAGCTGAAGA[C>A]CCTGCCCCCAGGGCTCCTGACGCCCACACCCAAGCTGGAGAAGCTCAGTCTGGCTAACAA-3'
Protein context (NP_000164.5, residues 144-164): ELYLKGNELK[Thr154Asn]LPPGLLTPTP